The following is an entry in ClinVar:

ClinVar aggregate classification (germline): Uncertain significance (1 of 4 stars; one submission).

Allele frequency attached by ClinVar (database versions not stated): gnomAD exomes below 0.00001.
gnomAD v4.1: 2 of 1,613,780 alleles (0.00012%); highest among the groups gnomAD compares: Admixed American, 0.0017%; no homozygotes.

Submission:

Labcorp Genetics (formerly Invitae), Labcorp
Classification: Uncertain significance. Last evaluated: 2022-08-16. Review status: criteria provided, single submitter. Criteria: Invitae Variant Classification Sherloc (09022015). Collection method: clinical testing. Allele origin: germline.
Comment: This variant has not been reported in the literature in individuals affected with C5-related conditions. This variant is not present in population databases (gnomAD no frequency). This sequence change replaces alanine, which is neutral and non-polar, with valine, which is neutral and non-polar, at codon 1662 of the C5 protein (p.Ala1662Val). ClinVar contains an entry for this variant (Variation ID: 1394084). In summary, the available evidence is currently insufficient to determine the role of this variant in disease. Therefore, it has been classified as a Variant of Uncertain Significance. Algorithms developed to predict the effect of missense changes on protein structure and function (SIFT, PolyPhen-2, Align-GVGD) all suggest that this variant is likely to be tolerated.

NM_001735.3(C5):c.4985C>T (p.Ala1662Val)

Genes: C5 (complement C5; minus strand), C5-OT1 (C5 3' UTR overlapping transcript 1; minus strand). Cytogenetic location: 9q33.2.
Variant type: single nucleotide variant.
Coding change: c.4985C>T on transcript NM_001735.3 (MANE Select); coding-DNA position 4985, C replaced by T.
Protein change: p.Ala1662Val; replaces alanine 1662 with valine.
Molecular consequence: missense variant. On other transcripts: non-coding transcript variant (1).
Genome position (GRCh38, 1-based): chr9:120,952,785, G>A on the plus strand (C>T on the coding strand, the complement: C5 is on the minus strand). VCF-style: chr9-120952785-G-A. GRCh37 (hg19) VCF-style: chr9-123715063-G-A.
Other names: c.5003C>T, p.Ala1668Val (NM_001317163.2); short protein forms A1668V, A1662V.
Identifiers: ClinVar variation 1394084 (VCV001394084.9), dbSNP rs2046754353, ClinGen allele CA374737931.
Genomic context (GRCh38, chr9:120,952,785, plus strand): 5'-GAACTTCAGGAATTTTAGCATCCATTTAAAAAGATATCTTCGGCAAATTCATCTAAATTA[G>A]CTAAAAATGCTTGACACGATGAACATGTTGTGTCTCTAGGCCAGTATTCAATCCAGGTCA-3'
Protein context (NP_001726.2, residues 1652-1672): TTCSSCQAFL[Ala1662Val]NLDEFAEDIF